The following is an entry in ClinVar:

NM_001101426.4(CRPPA):c.1026+5G>C

Genes: CRPPA (CDP-L-ribitol pyrophosphorylase A; minus strand), CRPPA-AS1 (CRPPA antisense RNA 1; plus strand). Cytogenetic location: 7p21.2.
Variant type: single nucleotide variant.
Coding change: c.1026+5G>C on transcript NM_001101426.4 (MANE Select); 5 bases into the intron after coding-DNA position 1026, G replaced by C.
Molecular consequence: intron variant.
Genome position (GRCh38, 1-based): chr7:16,258,915, C>G on the plus strand (G>C on the coding strand, the complement: CRPPA is on the minus strand). VCF-style: chr7-16258915-C-G. GRCh37 (hg19) VCF-style: chr7-16298540-C-G.
Other names: c.876+5G>C (NM_001101417.4); c.921+5G>C (NM_001368197.1).
Identifiers: ClinVar variation 1680757 (VCV001680757.5), dbSNP rs762349005, ClinGen allele CA573099794.

ClinVar aggregate classification (germline): Uncertain significance. Review status: criteria provided, multiple submitters, no conflicts (2 of 4 stars). 2 submissions from 2 submitters: Uncertain significance (2). Last evaluated 2024-10-10.

Conditions:
Autosomal recessive limb-girdle muscular dystrophy type 2U. Also called: Muscular dystrophy-dystroglycanopathy (limb-girdle), type c, 7; MUSCULAR DYSTROPHY, LIMB-GIRDLE, TYPE 2U. Identifiers: Orphanet 352479, MedGen C5190987, MONDO:0014474, OMIM 616052.
Muscular dystrophy-dystroglycanopathy (congenital with brain and eye anomalies), type A, 7. Also called: WALKER-WARBURG SYNDROME OR MUSCLE-EYE-BRAIN DISEASE, ISPD-RELATED; Congenital muscular dystrophy-dystroglycanopathy with brain and eye anomalies, type A7. Identifiers: Orphanet 899, MedGen C3553330, MONDO:0013835, OMIM 614643.

Allele frequency attached by ClinVar (database versions not stated): TOPMed 0.00001.
gnomAD v4.1: 10 of 1,596,246 alleles (0.00063%); highest among the groups gnomAD compares: Non-Finnish European, 0.00086%; no homozygotes.

Submissions (2):

Blueprint Genetics
Classification: Uncertain significance. Last evaluated: 2024-10-10. Review status: criteria provided, single submitter. Criteria: ACMG Guidelines, 2015. Collection method: clinical testing. Allele origin: germline.

Labcorp Genetics (formerly Invitae), Labcorp
Classification: Uncertain significance for Muscular dystrophy-dystroglycanopathy (congenital with brain and eye anomalies), type A, 7; Autosomal recessive limb-girdle muscular dystrophy type 2U. Last evaluated: 2023-04-24. Review status: criteria provided, single submitter. Criteria: Invitae Variant Classification Sherloc (09022015). Collection method: clinical testing. Allele origin: germline.
Comment: This sequence change falls in intron 7 of the ISPD gene. It does not directly change the encoded amino acid sequence of the ISPD protein. It affects a nucleotide within the consensus splice site. In summary, the available evidence is currently insufficient to determine the role of this variant in disease. Therefore, it has been classified as a Variant of Uncertain Significance. Variants that disrupt the consensus splice site are a relatively common cause of aberrant splicing (PMID: 17576681, 9536098). Algorithms developed to predict the effect of sequence changes on RNA splicing suggest that this variant may disrupt the consensus splice site. ClinVar contains an entry for this variant (Variation ID: 1680757). This variant has not been reported in the literature in individuals affected with ISPD-related conditions. The frequency data for this variant in the population databases is considered unreliable, as metrics indicate poor data quality at this position in the gnomAD database.

Literature cited by the submitters: PubMed 17576681 (cited by Labcorp Genetics (formerly Invitae), Labcorp); PubMed 9536098 (cited by Labcorp Genetics (formerly Invitae), Labcorp).